The following is an entry in ClinVar:

ClinVar aggregate classification (germline): Uncertain significance (1 of 4 stars; one submission).

Conditions:
Inborn genetic diseases. Identifiers: MedGen C0950123, MeSH D030342.

Submission:

Ambry Genetics
Classification: Uncertain significance for Inborn genetic diseases. Last evaluated: 2024-04-17. Review status: criteria provided, single submitter. Criteria: Ambry Variant Classification Scheme 2023. Collection method: clinical testing. Allele origin: germline.
Comment: The c.464G>C (p.R155P) alteration is located in exon 6 (coding exon 5) of the KIF1A gene. This alteration results from a G to C substitution at nucleotide position 464, causing the arginine (R) at amino acid position 155 to be replaced by a proline (P). This variant was not reported in population-based cohorts in the Genome Aggregation Database (gnomAD). This amino acid position is highly conserved in available vertebrate species. This missense alteration is located in a region that has a low rate of benign missense variation (Lek, 2016; Firth, 2009). This alteration is predicted to be deleterious by in silico analysis. Based on insufficient or conflicting evidence, the clinical significance of this alteration remains unclear.

NM_001244008.2(KIF1A):c.464G>C (p.Arg155Pro)

Gene: KIF1A (kinesin family member 1A; minus strand). Cytogenetic location: 2q37.3.
Variant type: single nucleotide variant.
Coding change: c.464G>C on transcript NM_001244008.2 (MANE Select); coding-DNA position 464, G replaced by C.
Protein change: p.Arg155Pro; replaces arginine 155 with proline.
Molecular consequence: missense variant.
Genome position (GRCh38, 1-based): chr2:240,786,479, C>G on the plus strand (G>C on the coding strand, the complement: KIF1A is on the minus strand). VCF-style: chr2-240786479-C-G. GRCh37 (hg19) VCF-style: chr2-241725896-C-G.
Other names: c.464G>C, p.Arg155Pro (NM_001320705.2, NM_001330289.2, NM_001330290.2 and 20 more transcripts); short protein forms R155P.
Identifiers: ClinVar variation 3288351 (VCV003288351.1).